The following is an entry in ClinVar:

ClinVar aggregate classification (germline): Likely benign (1 of 4 stars; one submission).

Submission:

CeGaT Center for Human Genetics Tuebingen
Classification: Likely benign. Last evaluated: 2022-05-01. Review status: criteria provided, single submitter. Criteria: CeGaT Center For Human Genetics Tuebingen Variant Classification Criteria Version 2. Collection method: clinical testing. Allele origin: germline. Affected: yes. Observed: 1 variant allele.
Comment: CT45A9: BP4

NM_001291540.2(CT45A9):c.230C>T (p.Thr77Ile)

Gene: CT45A9 (cancer/testis antigen family 45 member A9; minus strand). Cytogenetic location: Xq26.3.
Variant type: single nucleotide variant.
Coding change: c.230C>T on transcript NM_001291540.2 (MANE Select); coding-DNA position 230, C replaced by T.
Protein change: p.Thr77Ile; replaces threonine 77 with isoleucine.
Molecular consequence: missense variant.
Genome position (GRCh38, 1-based): chrX:135,865,913, G>A on the plus strand (C>T on the coding strand, the complement: CT45A9 is on the minus strand). VCF-style: chrX-135865913-G-A. GRCh37 (hg19) VCF-style: chrX-134948095-G-A.
Other names: c.230C>T, p.Thr77Ile (NM_001321271.1); short protein forms T77I.
Identifiers: ClinVar variation 2661491 (VCV002661491.24), dbSNP rs201205192, ClinGen allele CA10523729.
Genomic context (GRCh38, chrX:135,865,913, plus strand): 5'-TTTCCTCCCACAGGTGCATTGCTACCAGGTTTCTGCATCATCCTATCTTTGCTGAAACCA[G>A]TGAAGTCATCAATCTGAGAATCCAATTGGCTGGGTGGAATAGCATGTCCTGTCATAAGCT-3'
Protein context (NP_001278469.1, residues 67-87): SQLDSQIDDF[Thr77Ile]GFSKDRMMQK